The following is an entry in ClinVar:

NM_000124.4(ERCC6):c.4292T>C (p.Met1431Thr)

Gene: ERCC6 (ERCC excision repair 6, chromatin remodeling factor; minus strand). Cytogenetic location: 10q11.23.
Variant type: single nucleotide variant.
Coding change: c.4292T>C on transcript NM_000124.4 (MANE Select); coding-DNA position 4292, T replaced by C.
Protein change: p.Met1431Thr; replaces methionine 1431 with threonine.
Molecular consequence: missense variant.
Genome position (GRCh38, 1-based): chr10:49,459,005, A>G on the plus strand (T>C on the coding strand, the complement: ERCC6 is on the minus strand). VCF-style: chr10-49459005-A-G. GRCh37 (hg19) VCF-style: chr10-50667051-A-G.
Other names: c.4292T>C, p.Met1431Thr (NM_001346440.2); short protein forms M1431T.
Identifiers: ClinVar variation 1952292 (VCV001952292.5), dbSNP rs773083950, ClinGen allele CA5495136.

ClinVar aggregate classification (germline): Uncertain significance (1 of 4 stars; one submission).

Allele frequency attached by ClinVar (database versions not stated): TOPMed below 0.00001; gnomAD 0.00001.

Submission:

Labcorp Genetics (formerly Invitae), Labcorp
Classification: Uncertain significance. Last evaluated: 2022-04-12. Review status: criteria provided, single submitter. Criteria: Invitae Variant Classification Sherloc (09022015). Collection method: clinical testing. Allele origin: germline.
Comment: In summary, the available evidence is currently insufficient to determine the role of this variant in disease. Therefore, it has been classified as a Variant of Uncertain Significance. Algorithms developed to predict the effect of missense changes on protein structure and function are either unavailable or do not agree on the potential impact of this missense change (SIFT: "Deleterious"; PolyPhen-2: "Benign"; Align-GVGD: "Class C55"). This variant has not been reported in the literature in individuals affected with ERCC6-related conditions. This variant is present in population databases (rs773083950, gnomAD 0.007%). This sequence change replaces methionine, which is neutral and non-polar, with threonine, which is neutral and polar, at codon 1431 of the ERCC6 protein (p.Met1431Thr).